The following is an entry in ClinVar:

ClinVar aggregate classification (germline): Uncertain significance. Review status: criteria provided, single submitter (1 of 4 stars). 3 submissions from 3 submitters: Uncertain significance (1). 2 of the submissions do not count toward it. Last evaluated 2021-09-01.

Conditions:
VPS13B-related disorder. Also called: VPS13B-related condition.
Cohen syndrome (COH1). Also called: PEPPER SYNDROME; Cutis verticis gyrata, retinitis pigmentosa, and sensorineural deafness. Identifiers: Orphanet 193, MedGen C0265223, MONDO:0008999, OMIM 216550.

Allele frequency attached by ClinVar (database versions not stated): gnomAD 0.00001.
gnomAD v4.1: 3 of 1,613,938 alleles (0.00019%); highest among the groups gnomAD compares: Admixed American, 0.005%; no homozygotes.

Submissions (3):

Labcorp Genetics (formerly Invitae), Labcorp
Classification: Uncertain significance for Cohen syndrome. Last evaluated: 2021-09-01. Review status: criteria provided, single submitter. Criteria: Invitae Variant Classification Sherloc (09022015). Collection method: clinical testing. Allele origin: germline.

PreventionGenetics, part of Exact Sciences
Classification: Uncertain significance for VPS13B-related condition. Last evaluated: 2024-02-26. Review status: no assertion criteria provided. Collection method: clinical testing. Allele origin: germline. Not counted in ClinVar's aggregate classification.
Comment: The VPS13B c.7301C>T variant is predicted to result in the amino acid substitution p.Thr2434Ile. To our knowledge, this variant has not been reported in the literature or in a large population database, indicating this variant is rare. At this time, the clinical significance of this variant is uncertain due to the absence of conclusive functional and genetic evidence.

Natera, Inc.
Classification: Uncertain significance for Cohen syndrome. Last evaluated: 2021-07-16. Review status: no assertion criteria provided. Collection method: clinical testing. Allele origin: germline. Not counted in ClinVar's aggregate classification.

NM_152564.5(VPS13B):c.7301C>T (p.Thr2434Ile)

Gene: VPS13B (vacuolar protein sorting 13 homolog B; plus strand). Cytogenetic location: 8q22.2.
Variant type: single nucleotide variant.
Coding change: c.7301C>T on transcript NM_152564.5 (MANE Select); coding-DNA position 7301, C replaced by T.
Protein change: p.Thr2434Ile; replaces threonine 2434 with isoleucine.
Molecular consequence: missense variant.
Genome position (GRCh38, 1-based): chr8:99,776,828, C>T. VCF-style: chr8-99776828-C-T. GRCh37 (hg19) VCF-style: chr8-100789056-C-T.
Other names: c.7376C>T, p.Thr2459Ile (NM_017890.5); c.7301C>T (NM_152564.4); short protein forms T2434I, T2459I.
Identifiers: ClinVar variation 1008752 (VCV001008752.8), dbSNP rs1811763988, ClinGen allele CA371875647.